The following is an entry in ClinVar:

ClinVar aggregate classification (germline): Uncertain significance (1 of 4 stars; one submission).

Conditions:
Jeune thoracic dystrophy. Also called: Jeune syndrome; Infantile thoracic dystrophy; Thoracic pelvic phalangeal dystrophy; Jeune's syndrome; Chondroectodermal dysplasia-like syndrome; Short-rib thoracic dysplasia. Identifiers: Orphanet 474, MedGen C0265275, MONDO:0018770.

Allele frequency attached by ClinVar (database versions not stated): gnomAD 0.00001; ExAC 0.00006; ESP Exome Variant Server 0.00008.
gnomAD v4.1: 37 of 1,542,116 alleles (0.0024%); highest among the groups gnomAD compares: Non-Finnish European, 0.0031%; no homozygotes.

Submission:

Labcorp Genetics (formerly Invitae), Labcorp
Classification: Uncertain significance for Jeune thoracic dystrophy. Last evaluated: 2022-01-18. Review status: criteria provided, single submitter. Criteria: Invitae Variant Classification Sherloc (09022015). Collection method: clinical testing. Allele origin: germline.
Comment: This sequence change falls in intron 15 of the DYNC2H1 gene. It does not directly change the encoded amino acid sequence of the DYNC2H1 protein. This variant is present in population databases (rs376966908, gnomAD 0.003%). This variant has not been reported in the literature in individuals affected with DYNC2H1-related conditions. Algorithms developed to predict the effect of sequence changes on RNA splicing suggest that this variant may disrupt the consensus splice site. In summary, the available evidence is currently insufficient to determine the role of this variant in disease. Therefore, it has been classified as a Variant of Uncertain Significance.

NM_001377.3(DYNC2H1):c.2206-4T>G

Gene: DYNC2H1 (dynein cytoplasmic 2 heavy chain 1; plus strand). Cytogenetic location: 11q22.3.
Variant type: single nucleotide variant.
Coding change: c.2206-4T>G on transcript NM_001377.3 (MANE Select); 4 bases into the intron before coding-DNA position 2206, T replaced by G.
Molecular consequence: intron variant.
Genome position (GRCh38, 1-based): chr11:103,135,491, T>G. VCF-style: chr11-103135491-T-G. GRCh37 (hg19) VCF-style: chr11-103006220-T-G.
Other names: c.2206-4T>G (NM_001080463.2).
Identifiers: ClinVar variation 1979150 (VCV001979150.1), dbSNP rs376966908, ClinGen allele CA6252984.